The following is an entry in ClinVar:

NM_001025295.3(IFITM5):c.167C>T (p.Ala56Val)

Gene: IFITM5 (interferon induced transmembrane protein 5; minus strand). Cytogenetic location: 11p15.5.
Variant type: single nucleotide variant.
Coding change: c.167C>T on transcript NM_001025295.3 (MANE Select); coding-DNA position 167, C replaced by T.
Protein change: p.Ala56Val; replaces alanine 56 with valine.
Molecular consequence: missense variant.
Genome position (GRCh38, 1-based): chr11:299,324, G>A on the plus strand (C>T on the coding strand, the complement: IFITM5 is on the minus strand). VCF-style: chr11-299324-G-A. GRCh37 (hg19) VCF-style: chr11-299324-G-A.
Other names: short protein forms A56V.
Identifiers: ClinVar variation 3712675 (VCV003712675.2).

ClinVar aggregate classification (germline): Uncertain significance (1 of 4 stars; one submission).

gnomAD v4.1: 28 of 1,600,384 alleles (0.0017%); highest among the groups gnomAD compares: African/African-American, 0.0054%; no homozygotes.

Submission:

Labcorp Genetics (formerly Invitae), Labcorp
Classification: Uncertain significance. Last evaluated: 2024-07-19. Review status: criteria provided, single submitter. Criteria: Invitae Variant Classification Sherloc (09022015). Collection method: clinical testing. Allele origin: germline.
Comment: This sequence change replaces alanine, which is neutral and non-polar, with valine, which is neutral and non-polar, at codon 56 of the IFITM5 protein (p.Ala56Val). The frequency data for this variant in the population databases is considered unreliable, as metrics indicate poor data quality at this position in the gnomAD database. This variant has not been reported in the literature in individuals affected with IFITM5-related conditions. An algorithm developed to predict the effect of missense changes on protein structure and function (PolyPhen-2) suggests that this variant is likely to be disruptive. In summary, the available evidence is currently insufficient to determine the role of this variant in disease. Therefore, it has been classified as a Variant of Uncertain Significance.